The following is an entry in ClinVar:

NM_002878.4(RAD51D):c.455C>A (p.Ala152Asp)

Genes: RAD51L3-RFFL (RAD51L3-RFFL readthrough; minus strand), RAD51D (RAD51 paralog D; minus strand). Cytogenetic location: 17q12.
Variant type: single nucleotide variant.
Coding change: c.455C>A on transcript NM_002878.4 (MANE Select); coding-DNA position 455, C replaced by A.
Protein change: p.Ala152Asp; replaces alanine 152 with aspartic acid.
Molecular consequence: missense variant. On other transcripts: non-coding transcript variant (1), intron variant (1).
Genome position (GRCh38, 1-based): chr17:35,107,013, G>T on the plus strand (C>A on the coding strand, the complement: RAD51D is on the minus strand). VCF-style: chr17-35107013-G-T. GRCh37 (hg19) VCF-style: chr17-33434032-G-T.
Other names: c.515C>A, p.Ala172Asp (NM_001142571.2); c.145-532C>A (NM_133629.3); short protein forms A152D, A172D.
Identifiers: ClinVar variation 232172 (VCV000232172.12), dbSNP rs767981911, ClinGen allele CA8499474.

ClinVar aggregate classification (germline): Uncertain significance. Review status: criteria provided, multiple submitters, no conflicts (2 of 4 stars). 4 submissions from 4 submitters: Uncertain significance (4). Last evaluated 2025-07-11.

Conditions:
Hereditary cancer-predisposing syndrome. Also called: Neoplastic Syndromes, Hereditary; Tumor predisposition; Hereditary Cancer Syndrome; Hereditary neoplastic syndrome. Identifiers: Orphanet 140162, MedGen C0027672, MeSH D009386, MONDO:0015356.
Breast-ovarian cancer, familial, susceptibility to, 4. Identifiers: Orphanet 145, MedGen C3280345, MONDO:0013669, OMIM 614291.

Allele frequency attached by ClinVar (database versions not stated): gnomAD exomes below 0.00001 and 0.00001; TOPMed below 0.00001; ExAC 0.00001.
gnomAD v4.1: 2 of 1,614,160 alleles (0.00012%); highest among the groups gnomAD compares: African/African-American, 0.0027%; no homozygotes.

Submissions (4):

Quest Diagnostics Nichols Institute San Juan Capistrano
Classification: Uncertain significance. Last evaluated: 2025-07-11. Review status: criteria provided, single submitter. Criteria: Quest Diagnostics criteria. Collection method: clinical testing. Allele origin: unknown.
Comment: The RAD51D c.455C>A (p.Ala152Asp) variant has not been reported in individuals with RAD51D-related conditions in the published literature. The frequency of this variant in the general population (Genome Aggregation Database) is uninformative in the assessment of its pathogenicity. Analysis of this variant using bioinformatics tools for the prediction of the effect of amino acid changes on protein structure and function yielded conflicting predictions that this variant is benign or damaging. Based on the available information, we are unable to determine the clinical significance of this variant.

Baylor Genetics
Classification: Uncertain significance for Breast-ovarian cancer, familial, susceptibility to, 4. Last evaluated: 2024-02-14. Review status: criteria provided, single submitter. Criteria: ACMG Guidelines, 2015. Collection method: clinical testing. Allele origin: unknown.

Labcorp Genetics (formerly Invitae), Labcorp
Classification: Uncertain significance for Breast-ovarian cancer, familial, susceptibility to, 4. Last evaluated: 2022-01-17. Review status: criteria provided, single submitter. Criteria: Invitae Variant Classification Sherloc (09022015). Collection method: clinical testing. Allele origin: germline.
Comment: ClinVar contains an entry for this variant (Variation ID: 232172). In summary, the available evidence is currently insufficient to determine the role of this variant in disease. Therefore, it has been classified as a Variant of Uncertain Significance. Algorithms developed to predict the effect of missense changes on protein structure and function are either unavailable or do not agree on the potential impact of this missense change (SIFT: "Tolerated"; PolyPhen-2: "Possibly Damaging"; Align-GVGD: "Class C0"). This variant has not been reported in the literature in individuals affected with RAD51D-related conditions. This variant is present in population databases (rs767981911, gnomAD 0.01%). This sequence change replaces alanine, which is neutral and non-polar, with aspartic acid, which is acidic and polar, at codon 152 of the RAD51D protein (p.Ala152Asp).

Ambry Genetics
Classification: Uncertain significance for Hereditary cancer-predisposing syndrome. Last evaluated: 2015-06-02. Review status: criteria provided, single submitter. Criteria: Ambry Variant Classification Scheme 2023. Collection method: clinical testing. Allele origin: germline.
Comment: The p.A152D variant (also known as c.455C>A), located in coding exon 5 of the RAD51D gene, results from a C to A substitution at nucleotide position 455. The alanine at codon 152 is replaced by aspartic acid, an amino acid with dissimilar properties. This variant was not reported in population based cohorts in the following databases: Database of Single Nucleotide Polymorphisms (dbSNP), NHLBI Exome Sequencing Project (ESP), and 1000 Genomes Project. In the ESP, this variant was not observed in 6503 samples (13006 alleles) with coverage at this position. To date, this alteration has been detected with an allele frequency of approximately 0.002% (greater than 53000 alleles tested) in our clinical cohort. This amino acid position is not well conserved in available vertebrate species. In addition, the in silico prediction for this alteration is inconclusive. Since supporting evidence is limited at this time, the clinical significance of p.A152D remains unclear.